The following is an entry in ClinVar:

NM_012330.4(KAT6B):c.5083T>A (p.Cys1695Ser)

Gene: KAT6B (lysine acetyltransferase 6B; plus strand). Cytogenetic location: 10q22.2.
Variant type: single nucleotide variant.
Coding change: c.5083T>A on transcript NM_012330.4 (MANE Select); coding-DNA position 5083, T replaced by A.
Protein change: p.Cys1695Ser; replaces cysteine 1695 with serine.
Molecular consequence: missense variant.
Genome position (GRCh38, 1-based): chr10:75,029,907, T>A. VCF-style: chr10-75029907-T-A. GRCh37 (hg19) VCF-style: chr10-76789665-T-A.
Other names: c.4534T>A, p.Cys1512Ser (NM_001256468.2, NM_001370138.1); c.4207T>A, p.Cys1403Ser (NM_001256469.2, NM_001370139.1, NM_001370140.1 and 2 more transcripts); c.4045T>A, p.Cys1349Ser (NM_001370132.1); c.3394T>A, p.Cys1132Ser (NM_001370133.1); c.2998T>A, p.Cys1000Ser (NM_001370134.1); c.2740T>A, p.Cys914Ser (NM_001370135.1); c.5083T>A, p.Cys1695Ser (NM_001370136.1, NM_001370137.1); c.4018T>A, p.Cys1340Ser (NM_001370143.1, NM_001370144.1); short protein forms C1132S, C1695S, C914S, C1000S, C1512S, C1349S, C1403S, C1340S.
Identifiers: ClinVar variation 1497009 (VCV001497009.8), dbSNP rs1408947850, ClinGen allele CA377299879.
Genomic context (GRCh38, chr10:75,029,907, plus strand): 5'-AGCACAACTGAGAACTACGAAAACCCAAGCAGCTACGATTCTACTATGGGAGGCAGCATC[T>A]GTGGAAACGGCTCTTCACAGAACAGCTGCTCCTATAGCAACCTCACCTCCAGCAGTCTGA-3'
Protein context (NP_036462.2, residues 1685-1705): SYDSTMGGSI[Cys1695Ser]GNGSSQNSCS

ClinVar aggregate classification (germline): Uncertain significance (1 of 4 stars; one submission).

Conditions:
Genitopatellar syndrome (GTPTS). Also called: Genitopatellar syndrome (GPS); ABSENT PATELLAE, SCROTAL HYPOPLASIA, RENAL ANOMALIES, FACIAL DYSMORPHISM, AND MENTAL RETARDATION. Identifiers: Orphanet 85201, MedGen C1853566, MONDO:0011640, OMIM 606170.

Submission:

Labcorp Genetics (formerly Invitae), Labcorp
Classification: Uncertain significance for Genitopatellar syndrome. Last evaluated: 2023-06-22. Review status: criteria provided, single submitter. Criteria: Invitae Variant Classification Sherloc (09022015). Collection method: clinical testing. Allele origin: germline.
Comment: In summary, the available evidence is currently insufficient to determine the role of this variant in disease. Therefore, it has been classified as a Variant of Uncertain Significance. An algorithm developed to predict the effect of missense changes on protein structure and function (PolyPhen-2) suggests that this variant is likely to be disruptive. ClinVar contains an entry for this variant (Variation ID: 1497009). This variant has not been reported in the literature in individuals affected with KAT6B-related conditions. This variant is not present in population databases (gnomAD no frequency). This sequence change replaces cysteine, which is neutral and slightly polar, with serine, which is neutral and polar, at codon 1695 of the KAT6B protein (p.Cys1695Ser).